The following is an entry in ClinVar:

ClinVar aggregate classification (germline): Uncertain significance. Review status: criteria provided, multiple submitters, no conflicts (2 of 4 stars). 4 submissions from 4 submitters: Uncertain significance (4). Last evaluated 2026-02-14.

Conditions:
Hereditary cancer-predisposing syndrome. Also called: Hereditary Cancer Syndrome; Tumor predisposition; Hereditary neoplastic syndrome; Neoplastic Syndromes, Hereditary. Identifiers: Orphanet 140162, MedGen C0027672, MeSH D009386, MONDO:0015356.
POLD1-related polyposis and colorectal cancer syndrome (CRCS10). Also called: COLORECTAL CANCER, SUSCEPTIBILITY TO, ON CHROMOSOME 19q; Colorectal cancer, susceptibility to, 10; Colorectal cancer 10. Identifiers: Orphanet 220460, MedGen C2675481, MONDO:0012953, OMIM 612591.

Allele frequency attached by ClinVar (database versions not stated): gnomAD exomes 0.00001; TOPMed 0.00001.

Submissions (4):

Dasa
Classification: Uncertain significance for POLD1-related polyposis and colorectal cancer syndrome. Last evaluated: 2026-02-14. Review status: criteria provided, single submitter. Criteria: DASA Assertion Criteria. Collection method: clinical testing. Allele origin: germline.
Comment: NM_002691.4(POLD1):c.377G>A (p.Arg126His) is a missense variant that results in the substitution of arginine with histidine. This variant is rare in population databases. The currently available literature and clinical evidence are not sufficient to establish a definitive association between this variant and the reported condition. Therefore, this variant is classified as a variant of uncertain significance.

Labcorp Genetics (formerly Invitae), Labcorp
Classification: Uncertain significance for POLD1-related polyposis and colorectal cancer syndrome. Last evaluated: 2025-12-17. Review status: criteria provided, single submitter. Criteria: Invitae Variant Classification Sherloc (09022015). Collection method: clinical testing. Allele origin: germline.
Comment: This sequence change replaces arginine, which is basic and polar, with histidine, which is basic and polar, at codon 126 of the POLD1 protein (p.Arg126His). This variant is not present in population databases (gnomAD no frequency). This variant has not been reported in the literature in individuals affected with POLD1-related conditions. ClinVar contains an entry for this variant (Variation ID: 574744). Invitae Evidence Modeling of protein sequence and biophysical properties (such as structural, functional, and spatial information, amino acid conservation, physicochemical variation, residue mobility, and thermodynamic stability) indicates that this missense variant is not expected to disrupt POLD1 protein function with a negative predictive value of 80%. In summary, the available evidence is currently insufficient to determine the role of this variant in disease. Therefore, it has been classified as a Variant of Uncertain Significance.

Ambry Genetics
Classification: Uncertain significance for Hereditary cancer-predisposing syndrome. Last evaluated: 2025-01-05. Review status: criteria provided, single submitter. Criteria: Ambry Variant Classification Scheme 2023. Collection method: clinical testing. Allele origin: germline.
Comment: The p.R126H variant (also known as c.377G>A), located in coding exon 3 of the POLD1 gene, results from a G to A substitution at nucleotide position 377. The arginine at codon 126 is replaced by histidine, an amino acid with highly similar properties. This amino acid position is conserved. In addition, the in silico prediction for this alteration is inconclusive. Based on the available evidence, the clinical significance of this variant remains unclear.

GeneDx
Classification: Uncertain significance. Last evaluated: 2024-06-06. Review status: criteria provided, single submitter. Criteria: GeneDx Variant Classification Process June 2021. Collection method: clinical testing. Allele origin: germline. Affected: yes.
Comment: Not observed at significant frequency in large population cohorts (gnomAD); In silico analysis supports that this missense variant has a deleterious effect on protein structure/function; Has not been previously published as pathogenic or benign to our knowledge

NM_002691.4(POLD1):c.377G>A (p.Arg126His)

Gene: POLD1 (DNA polymerase delta 1, catalytic subunit; plus strand). Cytogenetic location: 19q13.33.
Variant type: single nucleotide variant.
Coding change: c.377G>A on transcript NM_002691.4 (MANE Select); coding-DNA position 377, G replaced by A.
Protein change: p.Arg126His; replaces arginine 126 with histidine.
Molecular consequence: missense variant. On other transcripts: non-coding transcript variant (1).
Genome position (GRCh38, 1-based): chr19:50,401,838, G>A. VCF-style: chr19-50401838-G-A. GRCh37 (hg19) VCF-style: chr19-50905095-G-A.
Other names: c.377G>A, p.Arg126His (NM_001256849.1, NM_001308632.1); c.377G>A (NM_002691.2); short protein forms R126H.
Identifiers: ClinVar variation 574744 (VCV000574744.14), dbSNP rs1568618887, ClinGen allele CA406972326.